The following is an entry in ClinVar:

ClinVar aggregate classification (germline): Uncertain significance. Review status: criteria provided, multiple submitters, no conflicts (2 of 4 stars). 2 submissions from 2 submitters: Uncertain significance (2). Last evaluated 2025-01-20.

Conditions:
Hereditary cancer-predisposing syndrome. Also called: Tumor predisposition; Hereditary Cancer Syndrome; Hereditary neoplastic syndrome; Neoplastic Syndromes, Hereditary. Identifiers: Orphanet 140162, MedGen C0027672, MeSH D009386, MONDO:0015356.
Hereditary breast ovarian cancer syndrome. Also called: BRCA1- and BRCA2-Associated Hereditary Breast and Ovarian Cancer; Hereditary breast and ovarian cancer; Hereditary breast and ovarian cancer syndrome; Hereditary breast and ovarian cancer syndrome (HBOC); Breast and ovarian cancer; Hereditary breast and/or ovarian cancer syndrome. Identifiers: Orphanet 145, MedGen C0677776, MeSH D061325, MONDO:0003582. Disease mechanism: loss of function.

Submissions (2):

Labcorp Genetics (formerly Invitae), Labcorp
Classification: Uncertain significance for Hereditary breast ovarian cancer syndrome. Last evaluated: 2025-01-20. Review status: criteria provided, single submitter. Criteria: Invitae Variant Classification Sherloc (09022015). Collection method: clinical testing. Allele origin: germline.
Comment: This sequence change replaces serine, which is neutral and polar, with glycine, which is neutral and non-polar, at codon 263 of the BRCA2 protein (p.Ser263Gly). This variant is not present in population databases (gnomAD no frequency). This variant has not been reported in the literature in individuals affected with BRCA2-related conditions. ClinVar contains an entry for this variant (Variation ID: 1466082). Invitae Evidence Modeling of protein sequence and biophysical properties (such as structural, functional, and spatial information, amino acid conservation, physicochemical variation, residue mobility, and thermodynamic stability) indicates that this missense variant is not expected to disrupt BRCA2 protein function with a negative predictive value of 95%. In summary, the available evidence is currently insufficient to determine the role of this variant in disease. Therefore, it has been classified as a Variant of Uncertain Significance.

Color Diagnostics, LLC DBA Color Health
Classification: Uncertain significance for Hereditary cancer-predisposing syndrome. Last evaluated: 2022-06-06. Review status: criteria provided, single submitter. Criteria: ACMG Guidelines, 2015. Collection method: clinical testing. Allele origin: germline.
Comment: This missense variant replaces serine with glycine at codon 263 of the BRCA2 protein. Computational prediction suggests that this variant may not impact protein structure and function (internally defined REVEL score threshold <= 0.5, PMID: 27666373). To our knowledge, functional studies have not been reported for this variant. This variant has been detected in a breast cancer case-control meta-analysis in 1/60466 cases and 1/53461 unaffected individuals (PMID: 33471991; Leiden Open Variation Database DB-ID BRCA2_007757). This variant has not been identified in the general population by the Genome Aggregation Database (gnomAD). The available evidence is insufficient to determine the role of this variant in disease conclusively. Therefore, this variant is classified as a Variant of Uncertain Significance.

Literature cited by the submitters: PubMed 33471991 (cited by Color Diagnostics, LLC DBA Color Health).

NM_000059.4(BRCA2):c.787A>G (p.Ser263Gly)

Gene: BRCA2 (BRCA2 DNA repair associated; plus strand). Cytogenetic location: 13q13.1.
Variant type: single nucleotide variant.
Coding change: c.787A>G on transcript NM_000059.4 (MANE Select); coding-DNA position 787, A replaced by G.
Protein change: p.Ser263Gly; replaces serine 263 with glycine.
Molecular consequence: missense variant.
Genome position (GRCh38, 1-based): chr13:32,331,024, A>G. VCF-style: chr13-32331024-A-G. GRCh37 (hg19) VCF-style: chr13-32905161-A-G.
Other names: short protein forms S263G.
Identifiers: ClinVar variation 1466082 (VCV001466082.10), dbSNP rs2137462310, ClinGen allele CA387760234.